The following is an entry in ClinVar:

ClinVar aggregate classification (germline): Uncertain significance. Review status: criteria provided, multiple submitters, no conflicts (2 of 4 stars). 2 submissions from 2 submitters: Uncertain significance (2). Last evaluated 2024-09-22.

Conditions:
Klippel-Feil anomaly-myopathy-facial dysmorphism syndrome. Also called: Klippel-feil syndrome 4, autosomal recessive, with nemaline myopathy and facial dysmorphism; Klippel-Feil syndrome 4, autosomal recessive, with myopathy and facial dysmorphism. Identifiers: Orphanet 447974, MedGen C4225285, MONDO:0014689, OMIM 616549.

Allele frequency attached by ClinVar (database versions not stated): 1000 Genomes Project 30x 0.00094; gnomAD exomes 0.00005 and 0.00002; ExAC 0.00008; 1000 Genomes Project 0.00060; gnomAD 0.00011 and 0.00013; TOPMed 0.00006.
gnomAD v4.1: 47 of 1,606,842 alleles (0.0029%); highest among the groups gnomAD compares: African/African-American, 0.033%; no homozygotes.

Submissions (2):

Revvity Omics, Revvity
Classification: Uncertain significance for Klippel-Feil anomaly-myopathy-facial dysmorphism syndrome. Last evaluated: 2024-09-22. Review status: criteria provided, single submitter. Criteria: ACMG Guidelines, 2015. Collection method: clinical testing. Allele origin: germline.

Labcorp Genetics (formerly Invitae), Labcorp
Classification: Uncertain significance. Last evaluated: 2022-09-07. Review status: criteria provided, single submitter. Criteria: Invitae Variant Classification Sherloc (09022015). Collection method: clinical testing. Allele origin: germline.
Comment: This sequence change replaces asparagine with serine at codon 726 of the MYO18B protein (p.Asn726Ser). The asparagine residue is moderately conserved and there is a small physicochemical difference between asparagine and serine. This variant is present in population databases (rs115286214, gnomAD 0.02%). This variant has not been reported in the literature in individuals affected with MYO18B-related conditions. ClinVar contains an entry for this variant (Variation ID: 1346557). Algorithms developed to predict the effect of missense changes on protein structure and function output the following: SIFT: "Not Available"; PolyPhen-2: "Benign"; Align-GVGD: "Not Available". The serine amino acid residue is found in multiple mammalian species, which suggests that this missense change does not adversely affect protein function. In summary, the available evidence is currently insufficient to determine the role of this variant in disease. Therefore, it has been classified as a Variant of Uncertain Significance.

NM_032608.7(MYO18B):c.2177A>G (p.Asn726Ser)

Gene: MYO18B (myosin XVIIIB; plus strand). Cytogenetic location: 22q12.1.
Variant type: single nucleotide variant.
Coding change: c.2177A>G on transcript NM_032608.7 (MANE Select); coding-DNA position 2177, A replaced by G.
Protein change: p.Asn726Ser; replaces asparagine 726 with serine.
Molecular consequence: missense variant.
Genome position (GRCh38, 1-based): chr22:25,780,164, A>G. VCF-style: chr22-25780164-A-G. GRCh37 (hg19) VCF-style: chr22-26176131-A-G.
Other names: c.2177A>G, p.Asn726Ser (NM_001318245.2); short protein forms N726S.
Identifiers: ClinVar variation 1346557 (VCV001346557.4), dbSNP rs115286214, ClinGen allele CA10160072.